The following is an entry in ClinVar:

NM_004655.4(AXIN2):c.979G>A (p.Val327Met)

Gene: AXIN2 (axin 2; minus strand). Cytogenetic location: 17q24.1.
Variant type: single nucleotide variant.
Coding change: c.979G>A on transcript NM_004655.4 (MANE Select); coding-DNA position 979, G replaced by A.
Protein change: p.Val327Met; replaces valine 327 with methionine.
Molecular consequence: missense variant.
Genome position (GRCh38, 1-based): chr17:65,541,535, C>T on the plus strand (G>A on the coding strand, the complement: AXIN2 is on the minus strand). VCF-style: chr17-65541535-C-T. GRCh37 (hg19) VCF-style: chr17-63537653-C-T.
Other names: c.979G>A, p.Val327Met (NM_001363813.1); short protein forms V327M.
Identifiers: ClinVar variation 2961765 (VCV002961765.4), dbSNP rs372255441, ClinGen allele CA8718910.
Genomic context (GRCh38, chr17:65,541,535, plus strand): 5'-CTTGGCCATTGGCCTTCACACTGCGATGCATTTCTCTCTGGAGCTGTTTCTTACTGCCCA[C>T]ACGATAAGGAGGAATTCCATCTCTAAGGGAAAGGAAAAGACAGAATCCACAGGCTTACGA-3'
Protein context (NP_004646.3, residues 317-337): SSVDGIPPYR[Val327Met]GSKKQLQREM

ClinVar aggregate classification (germline): Uncertain significance. Review status: criteria provided, multiple submitters, no conflicts (2 of 4 stars). 2 submissions from 2 submitters: Uncertain significance (2). Last evaluated 2024-01-21.

Conditions:
Hereditary cancer-predisposing syndrome. Also called: Tumor predisposition; Hereditary neoplastic syndrome; Hereditary Cancer Syndrome; Neoplastic Syndromes, Hereditary. Identifiers: Orphanet 140162, MedGen C0027672, MeSH D009386, MONDO:0015356.
Oligodontia-cancer predisposition syndrome. Also called: TOOTH AGENESIS-COLORECTAL CANCER SYNDROME. Identifiers: Orphanet 300576, MedGen C1837750, MONDO:0012075, OMIM 608615. Disease mechanism: loss of function.

Allele frequency attached by ClinVar (database versions not stated): ExAC 0.00001; gnomAD 0.00001; TOPMed 0.00001; ESP Exome Variant Server 0.00008.
gnomAD v4.1: 1 of 1,614,018 alleles (0.000062%); highest among the groups gnomAD compares: African/African-American, 0.0013%; no homozygotes.

Submissions (2):

Ambry Genetics
Classification: Uncertain significance for Hereditary cancer-predisposing syndrome. Last evaluated: 2024-01-21. Review status: criteria provided, single submitter. Criteria: Ambry Variant Classification Scheme 2023. Collection method: clinical testing. Allele origin: germline.
Comment: The p.V327M variant (also known as c.979G>A), located in coding exon 3 of the AXIN2 gene, results from a G to A substitution at nucleotide position 979. The valine at codon 327 is replaced by methionine, an amino acid with highly similar properties. This amino acid position is conserved. In addition, this alteration is predicted to be tolerated by in silico analysis. Based on the available evidence, the clinical significance of this alteration remains unclear.

Labcorp Genetics (formerly Invitae), Labcorp
Classification: Uncertain significance for Oligodontia-cancer predisposition syndrome. Last evaluated: 2023-07-03. Review status: criteria provided, single submitter. Criteria: Invitae Variant Classification Sherloc (09022015). Collection method: clinical testing. Allele origin: germline.
Comment: In summary, the available evidence is currently insufficient to determine the role of this variant in disease. Therefore, it has been classified as a Variant of Uncertain Significance. Advanced modeling of protein sequence and biophysical properties (such as structural, functional, and spatial information, amino acid conservation, physicochemical variation, residue mobility, and thermodynamic stability) performed at Invitae indicates that this missense variant is not expected to disrupt AXIN2 protein function. This variant has not been reported in the literature in individuals affected with AXIN2-related conditions. This variant is present in population databases (rs372255441, gnomAD 0.007%). This sequence change replaces valine, which is neutral and non-polar, with methionine, which is neutral and non-polar, at codon 327 of the AXIN2 protein (p.Val327Met).